The following is an entry in ClinVar:

NM_005144.5(HR):c.3338C>A (p.Pro1113His)

Gene: HR (HR lysine demethylase and nuclear receptor corepressor; minus strand). Cytogenetic location: 8p21.3.
Variant type: single nucleotide variant.
Coding change: c.3338C>A on transcript NM_005144.5 (MANE Select); coding-DNA position 3338, C replaced by A.
Protein change: p.Pro1113His; replaces proline 1113 with histidine.
Molecular consequence: missense variant. On other transcripts: intron variant (1).
Genome position (GRCh38, 1-based): chr8:22,116,915, G>T on the plus strand (C>A on the coding strand, the complement: HR is on the minus strand). VCF-style: chr8-22116915-G-T. GRCh37 (hg19) VCF-style: chr8-21974428-G-T.
Other names: c.3214-487C>A (NM_018411.4); short protein forms P1113H.
Identifiers: ClinVar variation 2743341 (VCV002743341.3), dbSNP rs1419575144, ClinGen allele CA370514477.

ClinVar aggregate classification (germline): Uncertain significance (1 of 4 stars; one submission).

Submission:

Labcorp Genetics (formerly Invitae), Labcorp
Classification: Uncertain significance. Last evaluated: 2023-07-14. Review status: criteria provided, single submitter. Criteria: Invitae Variant Classification Sherloc (09022015). Collection method: clinical testing. Allele origin: germline.
Comment: In summary, the available evidence is currently insufficient to determine the role of this variant in disease. Therefore, it has been classified as a Variant of Uncertain Significance. An algorithm developed to predict the effect of missense changes on protein structure and function (PolyPhen-2) suggests that this variant is likely to be disruptive. This variant has not been reported in the literature in individuals affected with HR-related conditions. This variant is not present in population databases (gnomAD no frequency). This sequence change replaces proline, which is neutral and non-polar, with histidine, which is basic and polar, at codon 1113 of the HR protein (p.Pro1113His).